The following is an entry in ClinVar:

ClinVar aggregate classification (germline): Likely benign. Review status: criteria provided, single submitter (1 of 4 stars). 2 submissions from 2 submitters: Likely benign (1). 1 of the submissions does not count toward it. Last evaluated 2024-01-31.

Conditions:
ZFYVE26-related disorder. Also called: ZFYVE26-related condition.
Spastic paraplegia. Identifiers: MedGen C0037772, HP:0001258.

Allele frequency attached by ClinVar (database versions not stated): gnomAD exomes below 0.00001; TOPMed 0.00003.
gnomAD v4.1: 5 of 1,613,744 alleles (0.00031%); highest among the groups gnomAD compares: African/African-American, 0.0067%; no homozygotes.

Submissions (2):

Labcorp Genetics (formerly Invitae), Labcorp
Classification: Likely benign for Spastic paraplegia. Last evaluated: 2024-01-31. Review status: criteria provided, single submitter. Criteria: Invitae Variant Classification Sherloc (09022015). Collection method: clinical testing. Allele origin: germline.

PreventionGenetics, part of Exact Sciences
Classification: Likely benign for ZFYVE26-related condition. Last evaluated: 2022-03-28. Review status: no assertion criteria provided. Collection method: clinical testing. Allele origin: germline. Not counted in ClinVar's aggregate classification.
Comment: This variant is classified as likely benign based on ACMG/AMP sequence variant interpretation guidelines (Richards et al. 2015 PMID: 25741868, with internal and published modifications).

NM_015346.4(ZFYVE26):c.1020A>C (p.Val340=)

Gene: ZFYVE26 (zinc finger FYVE-type containing 26; minus strand). Cytogenetic location: 14q24.1.
Variant type: single nucleotide variant.
Coding change: c.1020A>C on transcript NM_015346.4 (MANE Select); coding-DNA position 1020, A replaced by C.
Protein change: p.Val340=; no amino-acid change (valine 340 retained).
Molecular consequence: synonymous variant.
Genome position (GRCh38, 1-based): chr14:67,805,616, T>G on the plus strand (A>C on the coding strand, the complement: ZFYVE26 is on the minus strand). VCF-style: chr14-67805616-T-G. GRCh37 (hg19) VCF-style: chr14-68272333-T-G.
Other names: c.1020A>C (NM_015346.3).
Identifiers: ClinVar variation 1563688 (VCV001563688.10), dbSNP rs1281717550, ClinGen allele CA486780222.